The following is an entry in ClinVar:

NM_012200.4(B3GAT3):c.554G>A (p.Gly185Glu)

Gene: B3GAT3 (beta-1,3-glucuronyltransferase 3; minus strand). Cytogenetic location: 11q12.3.
Variant type: single nucleotide variant.
Coding change: c.554G>A on transcript NM_012200.4 (MANE Select); coding-DNA position 554, G replaced by A.
Protein change: p.Gly185Glu; replaces glycine 185 with glutamic acid.
Molecular consequence: missense variant. On other transcripts: non-coding transcript variant (1).
Genome position (GRCh38, 1-based): chr11:62,617,051, C>T on the plus strand (G>A on the coding strand, the complement: B3GAT3 is on the minus strand). VCF-style: chr11-62617051-C-T. GRCh37 (hg19) VCF-style: chr11-62384523-C-T.
Other names: c.533G>A, p.Gly178Glu (NM_001288721.2); c.554G>A, p.Gly185Glu (NM_001288722.2, NM_001288723.2); short protein forms G185E, G178E.
Identifiers: ClinVar variation 548015 (VCV000548015.26), dbSNP rs140755387, ClinGen allele CA6050093.

ClinVar aggregate classification (germline): Uncertain significance. Review status: criteria provided, multiple submitters, no conflicts (2 of 4 stars). 6 submissions from 6 submitters: Uncertain significance (6). Last evaluated 2026-09-04.

Conditions:
Inborn genetic diseases. Identifiers: MedGen C0950123, MeSH D030342.
Larsen-like syndrome, B3GAT3 type. Also called: Multiple joint dislocations, short stature, craniofacial dysmorphism, with or without congenital heart defects; MULTIPLE JOINT DISLOCATIONS, SHORT STATURE, AND CRANIOFACIAL DYSMORPHISM WITH OR WITHOUT CONGENITAL HEART DEFECTS. Identifiers: Orphanet 284139, MedGen CN034159, MONDO:0009511, OMIM 245600.

Allele frequency attached by ClinVar (database versions not stated): ExAC 0.00063; gnomAD exomes 0.00065 and 0.00145; TOPMed 0.00074; gnomAD 0.00091 and 0.00093; ESP Exome Variant Server 0.00115.
gnomAD v4.1: 2,375 of 1,614,058 alleles (0.15%); highest among the groups gnomAD compares: Non-Finnish European, 0.18%; 8 homozygotes.

Submissions (6):

GeneDx
Classification: Uncertain significance. Last evaluated: 2026-09-04. Review status: criteria provided, single submitter. Criteria: GeneDx Variant Classification Process June 2021. Collection method: clinical testing. Allele origin: germline.
Comment: Identified in an individual with hypermobile Ehlers-Danlos syndrome who also harbored a variant in the COL1A1 gene (PMID: 35000503); In silico analysis suggests that this missense variant does not alter protein structure/function; This variant is associated with the following publications: (PMID: 35000503)

Women's Health and Genetics/Laboratory Corporation of America, LabCorp
Classification: Uncertain significance. Last evaluated: 2025-06-04. Review status: criteria provided, single submitter. Criteria: LabCorp Variant Classification Summary - May 2015. Collection method: clinical testing. Allele origin: germline.
Comment: Variant summary: B3GAT3 c.554G>A (p.Gly185Glu) results in a non-conservative amino acid change in the encoded protein sequence. Algorithms developed to predict the effect of missense changes on protein structure and function are either unavailable or do not agree on the potential impact of this missense change. The variant allele was found at a frequency of 0.0015 in 1614058 control chromosomes in the gnomAD database, including 8 homozygotes. c.554G>A has been reported in the literature in at least one heterozygous individual affected with hypermobility (e.g., Rashed_2022). However, these report(s) do not provide unequivocal conclusions about association of the variant with Larsen-Like Syndrome, B3GAT3 Type. To our knowledge, no experimental evidence demonstrating an impact on protein function has been reported. The following publication has been ascertained in the context of this evaluation (PMID: 35000503). ClinVar contains an entry for this variant (Variation ID: 548015). Based on the evidence outlined above, the variant was classified as VUS-possibly benign.

Fulgent Genetics
Classification: Uncertain significance for Larsen-like syndrome, B3GAT3 type. Last evaluated: 2024-04-03. Review status: criteria provided, single submitter. Criteria: ACMG Guidelines, 2015. Collection method: clinical testing. Allele origin: germline.

Labcorp Genetics (formerly Invitae), Labcorp
Classification: Uncertain significance for Larsen-like syndrome, B3GAT3 type. Last evaluated: 2022-10-17. Review status: criteria provided, single submitter. Criteria: Invitae Variant Classification Sherloc (09022015). Collection method: clinical testing. Allele origin: germline.
Comment: This sequence change replaces glycine, which is neutral and non-polar, with glutamic acid, which is acidic and polar, at codon 185 of the B3GAT3 protein (p.Gly185Glu). This variant is present in population databases (rs140755387, gnomAD 0.2%), and has an allele count higher than expected for a pathogenic variant. This variant has not been reported in the literature in individuals affected with B3GAT3-related conditions. ClinVar contains an entry for this variant (Variation ID: 548015). Algorithms developed to predict the effect of missense changes on protein structure and function (SIFT, PolyPhen-2, Align-GVGD) all suggest that this variant is likely to be tolerated. In summary, the available evidence is currently insufficient to determine the role of this variant in disease. Therefore, it has been classified as a Variant of Uncertain Significance.

Ambry Genetics
Classification: Uncertain significance for Inborn genetic diseases. Last evaluated: 2021-07-14. Review status: criteria provided, single submitter. Criteria: Ambry Variant Classification Scheme 2023. Collection method: clinical testing. Allele origin: germline.

Mayo Clinic Laboratories, Mayo Clinic
Classification: Uncertain significance for Larsen-like syndrome, B3GAT3 type. Last evaluated: 2017-12-11. Review status: criteria provided, single submitter. Criteria: ACMG Guidelines, 2015. Collection method: clinical testing. Allele origin: paternal.

Literature cited by the submitters: PubMed 35000503 (cited by Women's Health and Genetics/Laboratory Corporation of America, LabCorp).